The following is an entry in ClinVar:

ClinVar aggregate classification (germline): Uncertain significance (1 of 4 stars; one submission).

Allele frequency attached by ClinVar (database versions not stated): TOPMed below 0.00001.

Submission:

Labcorp Genetics (formerly Invitae), Labcorp
Classification: Uncertain significance. Last evaluated: 2024-06-24. Review status: criteria provided, single submitter. Criteria: Invitae Variant Classification Sherloc (09022015). Collection method: clinical testing. Allele origin: germline.
Comment: This sequence change replaces lysine, which is basic and polar, with asparagine, which is neutral and polar, at codon 542 of the SCLT1 protein (p.Lys542Asn). This variant is not present in population databases (gnomAD no frequency). This variant has not been reported in the literature in individuals affected with SCLT1-related conditions. ClinVar contains an entry for this variant (Variation ID: 1502747). An algorithm developed to predict the effect of missense changes on protein structure and function (PolyPhen-2) suggests that this variant is likely to be disruptive. In summary, the available evidence is currently insufficient to determine the role of this variant in disease. Therefore, it has been classified as a Variant of Uncertain Significance.

NM_144643.4(SCLT1):c.1626A>C (p.Lys542Asn)

Gene: SCLT1 (sodium channel and clathrin linker 1; minus strand). Cytogenetic location: 4q28.2.
Variant type: single nucleotide variant.
Coding change: c.1626A>C on transcript NM_144643.4 (MANE Select); coding-DNA position 1626, A replaced by C.
Protein change: p.Lys542Asn; replaces lysine 542 with asparagine.
Molecular consequence: missense variant.
Genome position (GRCh38, 1-based): chr4:128,943,002, T>G on the plus strand (A>C on the coding strand, the complement: SCLT1 is on the minus strand). VCF-style: chr4-128943002-T-G. GRCh37 (hg19) VCF-style: chr4-129864157-T-G.
Other names: short protein forms K542N.
Identifiers: ClinVar variation 1502747 (VCV001502747.8), dbSNP rs1737835282, ClinGen allele CA358185951.